The following is an entry in ClinVar:

NM_178822.5(IGSF10):c.7794C>T (p.Ser2598=)

Gene: IGSF10 (immunoglobulin superfamily member 10; minus strand). Cytogenetic location: 3q25.1.
Variant type: single nucleotide variant.
Coding change: c.7794C>T on transcript NM_178822.5 (MANE Select); coding-DNA position 7794, C replaced by T.
Protein change: p.Ser2598=; no amino-acid change (serine 2598 retained).
Molecular consequence: synonymous variant.
Genome position (GRCh38, 1-based): chr3:151,436,767, G>A on the plus strand (C>T on the coding strand, the complement: IGSF10 is on the minus strand). VCF-style: chr3-151436767-G-A. GRCh37 (hg19) VCF-style: chr3-151154555-G-A.
Other names: c.1731C>T, p.Ser577= (NM_001178145.3, NM_001178146.3); c.7794C>T, p.Ser2598= (NM_001385060.1, NM_001385061.1, NM_001385062.1 and 1 more transcripts).
Identifiers: ClinVar variation 4280918 (VCV004280918.7).

ClinVar aggregate classification (germline): Likely benign (1 of 4 stars; one submission).

gnomAD v4.1: 34 of 1,614,068 alleles (0.0021%); highest among the groups gnomAD compares: East Asian, 0.02%; no homozygotes.

Submission:

CeGaT Center for Human Genetics Tuebingen
Classification: Likely benign. Last evaluated: 2025-09-01. Review status: criteria provided, single submitter. Criteria: CeGaT Center For Human Genetics Tuebingen Variant Classification Criteria Version 2. Collection method: clinical testing. Allele origin: germline. Affected: yes. Observed: 1 variant allele.
Comment: IGSF10: BP4, BP7